The following is an entry in ClinVar:

ClinVar aggregate classification (germline): Pathogenic/Likely pathogenic. Review status: criteria provided, multiple submitters, no conflicts (2 of 4 stars). 8 submissions from 8 submitters: Pathogenic (4); Likely pathogenic (1). 3 of the submissions do not count toward it. Last evaluated 2024-11-25.

Conditions:
BMP2-related disorder. Also called: BMP2-related condition.
Short stature, facial dysmorphism, and skeletal anomalies with or without cardiac anomalies. Identifiers: MedGen CN294045, MONDO:0031439, MONDO:0060649.

Submissions (8):

GeneDx
Classification: Pathogenic. Last evaluated: 2024-11-25. Review status: criteria provided, single submitter. Criteria: GeneDx Variant Classification Process June 2021. Collection method: clinical testing. Allele origin: germline. Affected: yes.
Comment: Nonsense variant predicted to result in protein truncation, as the last 243 amino acid(s) are lost, and other loss-of-function variants have been reported downstream in HGMD; Not observed at significant frequency in large population cohorts (gnomAD); This variant is associated with the following publications: (PMID: 37125634, 29198724, 36360260)

Institute of Human Genetics, University of Leipzig Medical Center
Classification: Pathogenic for Short stature, facial dysmorphism, and skeletal anomalies with or without cardiac anomalies 1. Last evaluated: 2021-12-17. Review status: criteria provided, single submitter. Criteria: ACMG Guidelines, 2015. Collection method: clinical testing. Allele origin: maternal. Affected: yes.

Labcorp Genetics (formerly Invitae), Labcorp
Classification: Pathogenic. Last evaluated: 2021-03-10. Review status: criteria provided, single submitter. Criteria: Invitae Variant Classification Sherloc (09022015). Collection method: clinical testing. Allele origin: germline.
Comment: This sequence change creates a premature translational stop signal (p.Arg154*) in the BMP2 gene. While this is not anticipated to result in nonsense mediated decay, it is expected to disrupt the last 243 amino acid(s) of the BMP2 protein. This variant is not present in population databases (ExAC no frequency). This variant has been observed in individual(s) with clinical features of BMP2-related conditions (PMID: 29198724). In at least one individual the variant was observed to be de novo. ClinVar contains an entry for this variant (Variation ID: 388927). This variant disrupts the C-terminus of the BMP2 protein. Other variant(s) that disrupt this region (p.Cys329*) have been determined to be pathogenic (PMID: 29198724). This suggests that variants that disrupt this region of the protein are likely to be causative of disease. For these reasons, this variant has been classified as Pathogenic.

SIB Swiss Institute of Bioinformatics
Classification: Likely pathogenic for Short stature, facial dysmorphism, and skeletal anomalies with or without cardiac anomalies 1. Last evaluated: 2018-10-15. Review status: criteria provided, single submitter. Criteria: ACMG Guidelines, 2015. Collection method: curation. Allele origin: unknown.
Comment: This variant is interpreted as Likely Pathogenic, for Short stature, facial dysmorphism, and skeletal anomalies with or without cardiac anomalies, autosomal dominant. The following ACMG Tag(s) were applied: PM2 => Absent from controls (or at extremely low frequency if recessive) in Exome Sequencing Project, 1000 Genomes Project, or Exome Aggregation Consortium. PVS1-Strong => PVS1 downgraded in strength to Strong (PubMed 29198724). PM6 => Assumed de novo, but without confirmation of paternity and maternity (PubMed 29198724).

Blueprint Genetics
Classification: Pathogenic for BMP2-related disorders. Last evaluated: 2018-08-01. Review status: criteria provided, single submitter. Criteria: ACMG Guidelines, 2015. Collection method: clinical testing. Allele origin: germline. Affected: yes. Observed: 2 variant alleles.

Diagnostic Laboratory, Department of Genetics, University Medical Center Groningen
Classification: Likely pathogenic. Review status: no assertion criteria provided. Collection method: clinical testing. Allele origin: germline. Affected: yes. Study: VKGL Data-share Consensus. Not counted in ClinVar's aggregate classification.

Joint Genome Diagnostic Labs from Nijmegen and Maastricht, Radboudumc and MUMC+
Classification: Likely pathogenic. Review status: no assertion criteria provided. Collection method: clinical testing. Allele origin: germline. Affected: yes. Study: VKGL Data-share Consensus. Not counted in ClinVar's aggregate classification.

Laboratory of Diagnostic Genome Analysis, Leiden University Medical Center (LUMC)
Classification: Likely pathogenic. Review status: no assertion criteria provided. Collection method: clinical testing. Allele origin: germline. Affected: yes. Study: VKGL Data-share Consensus. Not counted in ClinVar's aggregate classification.

Literature cited by the submitters: PubMed 29198724 (cited by Labcorp Genetics (formerly Invitae), Labcorp and SIB Swiss Institute of Bioinformatics).

NM_001200.4(BMP2):c.460C>T (p.Arg154Ter)

Gene: BMP2 (bone morphogenetic protein 2; plus strand). Cytogenetic location: 20p12.3.
Variant type: single nucleotide variant.
Coding change: c.460C>T on transcript NM_001200.4 (MANE Select); coding-DNA position 460, C replaced by T.
Protein change: p.Arg154Ter; replaces arginine 154 with a stop codon.
Molecular consequence: nonsense.
Genome position (GRCh38, 1-based): chr20:6,778,358, C>T. VCF-style: chr20-6778358-C-T. GRCh37 (hg19) VCF-style: chr20-6759005-C-T.
Other names: short protein forms R154*.
Identifiers: ClinVar variation 388927 (VCV000388927.20), dbSNP rs1057523275, ClinGen allele CA16608528.